The following is an entry in ClinVar:

NM_004655.4(AXIN2):c.2007C>A (p.His669Gln)

Gene: AXIN2 (axin 2; minus strand). Cytogenetic location: 17q24.1.
Variant type: single nucleotide variant.
Coding change: c.2007C>A on transcript NM_004655.4 (MANE Select); coding-DNA position 2007, C replaced by A.
Protein change: p.His669Gln; replaces histidine 669 with glutamine.
Molecular consequence: missense variant.
Genome position (GRCh38, 1-based): chr17:65,536,454, G>T on the plus strand (C>A on the coding strand, the complement: AXIN2 is on the minus strand). VCF-style: chr17-65536454-G-T. GRCh37 (hg19) VCF-style: chr17-63532572-G-T.
Other names: c.2007C>A (LRG_296t1); c.1812C>A, p.His604Gln (NM_001363813.1); short protein forms H669Q, H604Q.
Identifiers: ClinVar variation 657178 (VCV000657178.15), dbSNP rs756419208, ClinGen allele CA8718434.

ClinVar aggregate classification (germline): Conflicting classifications of pathogenicity. Review status: criteria provided, conflicting classifications (1 of 4 stars). 3 submissions from 3 submitters: Uncertain significance (2); Likely benign (1). Last evaluated 2025-06-10.

Conditions:
Hereditary cancer-predisposing syndrome. Also called: Hereditary neoplastic syndrome; Tumor predisposition; Neoplastic Syndromes, Hereditary; Hereditary Cancer Syndrome. Identifiers: Orphanet 140162, MedGen C0027672, MeSH D009386, MONDO:0015356.
Oligodontia-cancer predisposition syndrome. Also called: TOOTH AGENESIS-COLORECTAL CANCER SYNDROME. Identifiers: Orphanet 300576, MedGen C1837750, MONDO:0012075, OMIM 608615. Disease mechanism: loss of function.

Allele frequency attached by ClinVar (database versions not stated): gnomAD 0.00001; TOPMed 0.00001.
gnomAD v4.1: 5 of 1,613,566 alleles (0.00031%); highest among the groups gnomAD compares: Admixed American, 0.0067%; no homozygotes.

Submissions (3):

Quest Diagnostics Nichols Institute San Juan Capistrano
Classification: Uncertain significance. Last evaluated: 2025-06-10. Review status: criteria provided, single submitter. Criteria: Quest Diagnostics criteria. Collection method: clinical testing. Allele origin: unknown.

Ambry Genetics
Classification: Likely benign for Hereditary cancer-predisposing syndrome. Last evaluated: 2024-06-26. Review status: criteria provided, single submitter. Criteria: Ambry Variant Classification Scheme 2023. Collection method: clinical testing. Allele origin: germline.

Labcorp Genetics (formerly Invitae), Labcorp
Classification: Uncertain significance for Oligodontia-cancer predisposition syndrome. Last evaluated: 2023-12-26. Review status: criteria provided, single submitter. Criteria: Invitae Variant Classification Sherloc (09022015). Collection method: clinical testing. Allele origin: germline.
Comment: This sequence change replaces histidine, which is basic and polar, with glutamine, which is neutral and polar, at codon 669 of the AXIN2 protein (p.His669Gln). This variant is present in population databases (rs756419208, gnomAD 0.01%). This variant has not been reported in the literature in individuals affected with AXIN2-related conditions. ClinVar contains an entry for this variant (Variation ID: 657178). Advanced modeling of protein sequence and biophysical properties (such as structural, functional, and spatial information, amino acid conservation, physicochemical variation, residue mobility, and thermodynamic stability) performed at Invitae indicates that this missense variant is not expected to disrupt AXIN2 protein function with a negative predictive value of 80%. In summary, the available evidence is currently insufficient to determine the role of this variant in disease. Therefore, it has been classified as a Variant of Uncertain Significance.